The following is an entry in ClinVar:

NM_182961.4(SYNE1):c.9764C>T (p.Ser3255Leu)

Gene: SYNE1 (spectrin repeat containing nuclear envelope protein 1; minus strand). Cytogenetic location: 6q25.2.
Variant type: single nucleotide variant.
Coding change: c.9764C>T on transcript NM_182961.4 (MANE Select); coding-DNA position 9764, C replaced by T.
Protein change: p.Ser3255Leu; replaces serine 3255 with leucine.
Molecular consequence: missense variant.
Genome position (GRCh38, 1-based): chr6:152,369,015, G>A on the plus strand (C>T on the coding strand, the complement: SYNE1 is on the minus strand). VCF-style: chr6-152369015-G-A. GRCh37 (hg19) VCF-style: chr6-152690150-G-A.
Other names: p.Ser3262Leu; c.9785C>T, p.Ser3262Leu (NM_033071.5); short protein forms S3255L, S3262L.
Identifiers: ClinVar variation 262205 (VCV000262205.22), dbSNP rs114954026, ClinGen allele CA4057218.

ClinVar aggregate classification (germline): Benign/Likely benign. Review status: criteria provided, multiple submitters, no conflicts (2 of 4 stars). 9 submissions from 8 submitters: Benign (6); Likely benign (2). 1 of the submissions does not count toward it. Last evaluated 2026-01-19.

Conditions:
SYNE1-related disorder. Also called: SYNE1-related disorders; SYNE1-related disease; SYNE1-related condition.
Autosomal recessive ataxia, Beauce type. Also called: Spinocerebellar ataxia, autosomal recessive 8; ATAXIA, RECESSIVE, OF BEAUCE; SYNE1-Related Autosomal Recessive Cerebellar Ataxia; SYNE1 Deficiency. Identifiers: Orphanet 88644, MedGen C1853116, MONDO:0012549, OMIM 610743.
Emery-Dreifuss muscular dystrophy 4, autosomal dominant (EDMD4). Also called: EMERY-DREIFUSS MUSCULAR DYSTROPHY 4 WITH VARIABLE FEATURES. Identifiers: Orphanet 261, MedGen C2751807, MONDO:0013071, OMIM 612998.

Allele frequency attached by ClinVar (database versions not stated): gnomAD exomes 0.00059 and 0.00164; ExAC 0.00202; gnomAD 0.00606 and 0.00650; 1000 Genomes Project 30x 0.00609; 1000 Genomes Project 0.00619; TOPMed 0.00685; ESP Exome Variant Server 0.00807.
gnomAD v4.1: 1,835 of 1,614,140 alleles (0.11%); highest among the groups gnomAD compares: African/African-American, 2.2%; 16 homozygotes.

Submissions (9):

Labcorp Genetics (formerly Invitae), Labcorp
Classification: Benign for Emery-Dreifuss muscular dystrophy 4, autosomal dominant; Autosomal recessive ataxia, Beauce type. Last evaluated: 2026-01-19. Review status: criteria provided, single submitter. Criteria: Invitae Variant Classification Sherloc (09022015). Collection method: clinical testing. Allele origin: germline.

Blueprint Genetics
Classification: Likely benign. Last evaluated: 2024-09-02. Review status: criteria provided, single submitter. Criteria: ACMG Guidelines, 2015. Collection method: clinical testing. Allele origin: germline.

Athena Diagnostics
Classification: Benign. Last evaluated: 2024-07-31. Review status: criteria provided, single submitter. Criteria: Athena Diagnostics Criteria. Collection method: clinical testing. Allele origin: unknown.

Mayo Clinic Laboratories, Mayo Clinic
Classification: Benign. Last evaluated: 2024-03-21. Review status: criteria provided, single submitter. Criteria: ACMG Guidelines, 2015. Collection method: clinical testing. Allele origin: germline. Observed: 6 variant alleles.
Comment: BS1, BS2, BP4

Illumina Laboratory Services, Illumina
Classification: Benign for Emery-Dreifuss muscular dystrophy 4, autosomal dominant. Last evaluated: 2018-01-12. Review status: criteria provided, single submitter. Criteria: ICSL Variant Classification Criteria 13 December 2019. Collection method: clinical testing. Allele origin: germline.
Comment: This variant was observed in the ICSL laboratory as part of a predisposition screen in an ostensibly healthy population. It had not been previously curated by ICSL or reported in the Human Gene Mutation Database (HGMD: prior to June 1st, 2018), and was therefore a candidate for classification through an automated scoring system. Utilizing variant allele frequency, disease prevalence and penetrance estimates, and inheritance mode, an automated score was calculated to assess if this variant is too frequent to cause the disease. Based on the score and internal cut-off values, a variant classified as benign is not then subjected to further curation. The score for this variant resulted in a classification of benign for this disease.

Illumina Laboratory Services, Illumina
Classification: Benign for Autosomal recessive ataxia, Beauce type. Last evaluated: 2018-01-12. Review status: criteria provided, single submitter. Criteria: ICSL Variant Classification Criteria 13 December 2019. Collection method: clinical testing. Allele origin: germline.
Comment: the same text as in the submission from Illumina Laboratory Services, Illumina above.

GeneDx
Classification: Benign. Last evaluated: 2017-03-03. Review status: criteria provided, single submitter. Criteria: GeneDx Variant Classification (06012015). Collection method: clinical testing. Allele origin: germline. Affected: yes.
Comment: This variant is considered likely benign or benign based on one or more of the following criteria: it is a conservative change, it occurs at a poorly conserved position in the protein, it is predicted to be benign by multiple in silico algorithms, and/or has population frequency not consistent with disease.

Breakthrough Genomics
Classification: Likely benign. Review status: criteria provided, single submitter. Criteria: ACMG Guidelines, 2015. Collection method: not provided. Allele origin: germline. Inheritance: Autosomal recessive inheritance. Affected: yes.

PreventionGenetics, part of Exact Sciences
Classification: Benign for SYNE1-related condition. Last evaluated: 2019-02-20. Review status: no assertion criteria provided. Collection method: clinical testing. Allele origin: germline. Not counted in ClinVar's aggregate classification.
Comment: This variant is classified as benign based on ACMG/AMP sequence variant interpretation guidelines (Richards et al. 2015 PMID: 25741868, with internal and published modifications).

Literature cited by the submitters: PubMed 36415435 (cited by Athena Diagnostics).